The following is an entry in ClinVar:

NM_020795.4(NLGN2):c.619G>T (p.Val207Phe)

Gene: NLGN2 (neuroligin 2; plus strand). Cytogenetic location: 17p13.1.
Variant type: single nucleotide variant.
Coding change: c.619G>T on transcript NM_020795.4 (MANE Select); coding-DNA position 619, G replaced by T.
Protein change: p.Val207Phe; replaces valine 207 with phenylalanine.
Molecular consequence: missense variant.
Genome position (GRCh38, 1-based): chr17:7,414,454, G>T. VCF-style: chr17-7414454-G-T. GRCh37 (hg19) VCF-style: chr17-7317773-G-T.
Other names: short protein forms V207F.
Identifiers: ClinVar variation 4685381 (VCV004685381.1).

ClinVar aggregate classification (germline): Uncertain significance (1 of 4 stars; one submission).

Submission:

GeneDx
Classification: Uncertain significance. Last evaluated: 2025-07-10. Review status: criteria provided, single submitter. Criteria: GeneDx Variant Classification Process June 2021. Collection method: clinical testing. Allele origin: germline. Affected: yes.
Comment: Not observed at significant frequency in large population cohorts (gnomAD); In silico analysis supports that this missense variant has a deleterious effect on protein structure/function; Has not been previously published as pathogenic or benign to our knowledge